The following is an entry in ClinVar:

NM_012330.4(KAT6B):c.5187C>T (p.Ser1729=)

Gene: KAT6B (lysine acetyltransferase 6B; plus strand). Cytogenetic location: 10q22.2.
Variant type: single nucleotide variant.
Coding change: c.5187C>T on transcript NM_012330.4 (MANE Select); coding-DNA position 5187, C replaced by T.
Protein change: p.Ser1729=; no amino-acid change (serine 1729 retained).
Molecular consequence: synonymous variant.
Genome position (GRCh38, 1-based): chr10:75,030,011, C>T. VCF-style: chr10-75030011-C-T. GRCh37 (hg19) VCF-style: chr10-76789769-C-T.
Other names: c.4638C>T, p.Ser1546= (NM_001256468.2, NM_001370138.1); c.4311C>T, p.Ser1437= (NM_001256469.2, NM_001370139.1, NM_001370140.1 and 2 more transcripts); c.4149C>T, p.Ser1383= (NM_001370132.1); c.3498C>T, p.Ser1166= (NM_001370133.1); c.3102C>T, p.Ser1034= (NM_001370134.1); c.2844C>T, p.Ser948= (NM_001370135.1); c.5187C>T, p.Ser1729= (NM_001370136.1, NM_001370137.1); c.4122C>T, p.Ser1374= (NM_001370143.1, NM_001370144.1).
Identifiers: ClinVar variation 2065501 (VCV002065501.11), dbSNP rs1018804506, ClinGen allele CA209710412.

ClinVar aggregate classification (germline): Likely benign. Review status: criteria provided, multiple submitters, no conflicts (2 of 4 stars). 2 submissions from 2 submitters: Likely benign (2). Last evaluated 2025-04-01.

Conditions:
Genitopatellar syndrome (GTPTS). Also called: ABSENT PATELLAE, SCROTAL HYPOPLASIA, RENAL ANOMALIES, FACIAL DYSMORPHISM, AND MENTAL RETARDATION; Genitopatellar syndrome (GPS). Identifiers: Orphanet 85201, MedGen C1853566, MONDO:0011640, OMIM 606170.

Allele frequency attached by ClinVar (database versions not stated): gnomAD 0.00001; TOPMed 0.00001; gnomAD exomes 0.00003.
gnomAD v4.1: 41 of 1,614,056 alleles (0.0025%); highest among the groups gnomAD compares: East Asian, 0.04%; no homozygotes.

Submissions (2):

CeGaT Center for Human Genetics Tuebingen
Classification: Likely benign. Last evaluated: 2025-04-01. Review status: criteria provided, single submitter. Criteria: CeGaT Center For Human Genetics Tuebingen Variant Classification Criteria Version 2. Collection method: clinical testing. Allele origin: germline. Affected: yes. Observed: 1 variant allele.
Comment: KAT6B: BP4, BP7

Labcorp Genetics (formerly Invitae), Labcorp
Classification: Likely benign for Genitopatellar syndrome. Last evaluated: 2025-03-31. Review status: criteria provided, single submitter. Criteria: Invitae Variant Classification Sherloc (09022015). Collection method: clinical testing. Allele origin: germline.